The following is an entry in ClinVar:

NM_052947.4(ALPK2):c.6066C>A (p.Asn2022Lys)

Gene: ALPK2 (alpha kinase 2; minus strand). Cytogenetic location: 18q21.31.
Variant type: single nucleotide variant.
Coding change: c.6066C>A on transcript NM_052947.4 (MANE Select); coding-DNA position 6066, C replaced by A.
Protein change: p.Asn2022Lys; replaces asparagine 2022 with lysine.
Molecular consequence: missense variant.
Genome position (GRCh38, 1-based): chr18:58,504,112, G>T on the plus strand (C>A on the coding strand, the complement: ALPK2 is on the minus strand). VCF-style: chr18-58504112-G-T. GRCh37 (hg19) VCF-style: chr18-56171344-G-T.
Other names: short protein forms N2022K.
Identifiers: ClinVar variation 3289332 (VCV003289332.1).
Genomic context (GRCh38, chr18:58,504,112, plus strand): 5'-GATGGAATACTTCACAAATTCTCCAATCAGCTCCTCCTCCACTGTAGCATACGGGATATT[G>T]TTCTCAGGCCGATGGATAAGAAAAATAGGAATGATCCTGGCAGGGAAGAGAACACAGGCG-3'
Protein context (NP_443179.3, residues 2012-2032): IPIFLIHRPE[Asn2022Lys]NIPYATVEEE

ClinVar aggregate classification (germline): Uncertain significance (1 of 4 stars; one submission).

gnomAD v4.1: 5 of 1,614,160 alleles (0.00031%); highest among the groups gnomAD compares: Non-Finnish European, 0.00042%; no homozygotes.

Submission:

Ambry Genetics
Classification: Uncertain significance. Last evaluated: 2024-03-19. Review status: criteria provided, single submitter. Criteria: Ambry Variant Classification Scheme 2023. Collection method: clinical testing. Allele origin: germline.
Comment: The p.N2022K variant (also known as c.6066C>A), located in coding exon 10 of the ALPK2 gene, results from a C to A substitution at nucleotide position 6066. The asparagine at codon 2022 is replaced by lysine, an amino acid with similar properties. This amino acid position is conserved. In addition, this alteration is predicted to be tolerated by in silico analysis. Based on the available evidence, the clinical significance of this alteration remains unclear.